The following is an entry in ClinVar:

NM_024753.5(TTC21B):c.3101+12T>C

Gene: TTC21B (tetratricopeptide repeat domain 21B; minus strand). Cytogenetic location: 2q24.3.
Variant type: single nucleotide variant.
Coding change: c.3101+12T>C on transcript NM_024753.5 (MANE Select); 12 bases into the intron after coding-DNA position 3101, T replaced by C.
Molecular consequence: intron variant.
Genome position (GRCh38, 1-based): chr2:165,890,826, A>G on the plus strand (T>C on the coding strand, the complement: TTC21B is on the minus strand). VCF-style: chr2-165890826-A-G. GRCh37 (hg19) VCF-style: chr2-166747336-A-G.
Identifiers: ClinVar variation 4995492 (VCV004995492.1).
Genomic context (GRCh38, chr2:165,890,826, plus strand): 5'-AGAAAAGCTTATTCTACTTGATTTACAATGAGAAAAAAAAATCATGTAGCATTTATTTGT[A>G]AATAGATTTACCAAAGATACAGTCCTTTACAATACTGAAATCCTGGTTCCAATTTTGCTC-3'

ClinVar aggregate classification (germline): Likely benign (1 of 4 stars; one submission).

Conditions:
TTC21B-related disorder. Also called: TTC21B-related condition; TTC21B-related disorders.

Submission:

PreventionGenetics, part of Exact Sciences
Classification: Likely benign for TTC21B-related condition. Last evaluated: 2026-06-03. Review status: criteria provided, single submitter. Criteria: ACMG Guidelines, 2015. Collection method: clinical testing. Allele origin: germline.
Comment: This variant is classified as likely benign based on ACMG/AMP sequence variant interpretation guidelines (Richards et al. 2015 PMID: 25741868, with internal and published modifications).